The following is an entry in ClinVar:

ClinVar aggregate classification (germline): Likely benign. Review status: criteria provided, multiple submitters, no conflicts (2 of 4 stars). 2 submissions from 2 submitters: Likely benign (2). Last evaluated 2025-12-23.

Conditions:
SCN11A-related disorder. Also called: SCN11A-related condition.
Hereditary sensory and autonomic neuropathy type 7. Also called: HSAN VII; Neuropathy, hereditary sensory and autonomic, type VII. Identifiers: Orphanet 391397, MedGen C3809882, MONDO:0014244, OMIM 615548.
Familial episodic pain syndrome with predominantly lower limb involvement. Also called: Episodic pain syndrome, familial, 3. Identifiers: Orphanet 391384, Orphanet 391392, MedGen C3809899, MONDO:0014247, OMIM 615552.

Allele frequency attached by ClinVar (database versions not stated): gnomAD 0.00001; gnomAD exomes 0.00002 and 0.00005; TOPMed 0.00002; ExAC 0.00004.
gnomAD v4.1: 69 of 1,613,862 alleles (0.0043%); highest among the groups gnomAD compares: Middle Eastern, 0.016%; no homozygotes.

Submissions (2):

PreventionGenetics, part of Exact Sciences
Classification: Likely benign for SCN11A-related condition. Last evaluated: 2025-12-23. Review status: criteria provided, single submitter. Criteria: ACMG Guidelines, 2015. Collection method: clinical testing. Allele origin: germline.
Comment: This variant is classified as likely benign based on ACMG/AMP sequence variant interpretation guidelines (Richards et al. 2015 PMID: 25741868, with internal and published modifications).

Labcorp Genetics (formerly Invitae), Labcorp
Classification: Likely benign for Familial episodic pain syndrome with predominantly lower limb involvement; Hereditary sensory and autonomic neuropathy type 7. Last evaluated: 2022-10-20. Review status: criteria provided, single submitter. Criteria: Invitae Variant Classification Sherloc (09022015). Collection method: clinical testing. Allele origin: germline.

NM_001349253.2(SCN11A):c.1731G>A (p.Pro577=)

Gene: SCN11A (sodium voltage-gated channel alpha subunit 11; minus strand). Cytogenetic location: 3p22.2.
Variant type: single nucleotide variant.
Coding change: c.1731G>A on transcript NM_001349253.2 (MANE Select); coding-DNA position 1731, G replaced by A.
Protein change: p.Pro577=; no amino-acid change (proline 577 retained).
Molecular consequence: synonymous variant.
Genome position (GRCh38, 1-based): chr3:38,903,976, C>T on the plus strand (G>A on the coding strand, the complement: SCN11A is on the minus strand). VCF-style: chr3-38903976-C-T. GRCh37 (hg19) VCF-style: chr3-38945467-C-T.
Other names: c.1731G>A, p.Pro577= (NM_014139.3).
Identifiers: ClinVar variation 784761 (VCV000784761.9), dbSNP rs776133651, ClinGen allele CA2322225.